The following is an entry in ClinVar:

NM_000170.3(GLDC):c.706C>T (p.Arg236Ter)

Gene: GLDC (glycine decarboxylase; minus strand). Cytogenetic location: 9p24.1.
Variant type: single nucleotide variant.
Coding change: c.706C>T on transcript NM_000170.3 (MANE Select); coding-DNA position 706, C replaced by T.
Protein change: p.Arg236Ter; replaces arginine 236 with a stop codon.
Molecular consequence: nonsense.
Genome position (GRCh38, 1-based): chr9:6,606,599, G>A on the plus strand (C>T on the coding strand, the complement: GLDC is on the minus strand). VCF-style: chr9-6606599-G-A. GRCh37 (hg19) VCF-style: chr9-6606599-G-A.
Other names: short protein forms R236*.
Identifiers: ClinVar variation 56102 (VCV000056102.14), dbSNP rs386833585, ClinGen allele CA263435.

ClinVar aggregate classification (germline): Pathogenic. Review status: criteria provided, multiple submitters, no conflicts (2 of 4 stars). 4 submissions from 4 submitters: Pathogenic (3). 1 of the submissions does not count toward it. Last evaluated 2025-02-03.

Conditions:
Glycine encephalopathy. Also called: Nonketotic hyperglycinemia; Non-ketotic hyperglycinemia. Identifiers: Orphanet 407, MedGen C0751748, MONDO:0011612, HP:0008288.

Allele frequency attached by ClinVar (database versions not stated): gnomAD exomes below 0.00001; TOPMed 0.00002.
gnomAD v4.1: 5 of 1,579,722 alleles (0.00032%); highest among the groups gnomAD compares: Non-Finnish European, 0.00044%; no homozygotes.

Submissions (4):

Natera, Inc.
Classification: Pathogenic for Non-ketotic hyperglycinemia. Last evaluated: 2025-02-03. Review status: criteria provided, single submitter. Criteria: Natera Variant Classification Schema (03/2026). Collection method: clinical testing. Allele origin: germline.
Comment: The c.706C>T variant in GLDC is a nonsense variant predicted to introduce a stop codon at amino acid 236. This variant is expected to result in nonsense mediated decay, truncation, or a dysfunctional protein product. This variant is rare in the general population with a frequency below the threshold expected for the associated phenotype(s). This variant has been observed in one or more individuals affected with the associated recessive disease, as either homozygous or compound heterozygous with a second variant (PMID: 27362913, 16601880). Given the available evidence, this variant is classified as Pathogenic.

Labcorp Genetics (formerly Invitae), Labcorp
Classification: Pathogenic for Glycine encephalopathy. Last evaluated: 2025-01-19. Review status: criteria provided, single submitter. Criteria: Invitae Variant Classification Sherloc (09022015). Collection method: clinical testing. Allele origin: germline.
Comment: This sequence change creates a premature translational stop signal (p.Arg236*) in the GLDC gene. It is expected to result in an absent or disrupted protein product. Loss-of-function variants in GLDC are known to be pathogenic (PMID: 16601880). This variant is present in population databases (rs386833585, gnomAD 0.0009%). This premature translational stop signal has been observed in individual(s) with glycine encephalopathy (PMID: 16601880). ClinVar contains an entry for this variant (Variation ID: 56102). For these reasons, this variant has been classified as Pathogenic.

Mendelics
Classification: Pathogenic for Glycine encephalopathy 1. Last evaluated: 2022-05-04. Review status: criteria provided, single submitter. Criteria: Mendelics Assertion Criteria 2019. Collection method: clinical testing. Allele origin: germline.

Juha Muilu Group; Institute for Molecular Medicine Finland (FIMM)
Classification: Likely pathogenic for Non-ketotic hyperglycinemia. Review status: no assertion criteria provided. Collection method: not provided. Allele origin: unknown. Not counted in ClinVar's aggregate classification.
Comment: FinDis database variant: This variant was not found or characterized by our laboratory, data were collected from public sources: see reference
ClinVar note: Converted during submission from probable-pathogenic to Likely pathogenic.

Literature cited by the submitters: PubMed 27362913 (cited by Natera, Inc.); PubMed 16601880 (cited by Natera, Inc. and Labcorp Genetics (formerly Invitae), Labcorp).